The following is an entry in ClinVar:

ClinVar aggregate classification (germline): Uncertain significance. Review status: criteria provided, multiple submitters, no conflicts (2 of 4 stars). 2 submissions from 2 submitters: Uncertain significance (2). Last evaluated 2026-01-19.

Conditions:
Mitochondrial complex II deficiency, nuclear type 1. Also called: SUCCINATE CoQ REDUCTASE DEFICIENCY. Identifiers: Orphanet 3208, MedGen C5700310, MONDO:0100294, OMIM 252011.
Pheochromocytoma/paraganglioma syndrome 5. Also called: Paragangliomas 5; SDHA-Related Hereditary Paraganglioma-Pheochromocytoma Syndrome. Identifiers: Orphanet 29072, MedGen C3279992, MONDO:0013602, OMIM 614165.
Hereditary cancer-predisposing syndrome. Also called: Tumor predisposition; Hereditary Cancer Syndrome; Hereditary neoplastic syndrome; Neoplastic Syndromes, Hereditary. Identifiers: Orphanet 140162, MedGen C0027672, MeSH D009386, MONDO:0015356.

Submissions (2):

Labcorp Genetics (formerly Invitae), Labcorp
Classification: Uncertain significance for Pheochromocytoma/paraganglioma syndrome 5; Mitochondrial complex II deficiency, nuclear type 1. Last evaluated: 2026-01-19. Review status: criteria provided, single submitter. Criteria: Invitae Variant Classification Sherloc (09022015). Collection method: clinical testing. Allele origin: germline.
Comment: This sequence change falls in intron 11 of the SDHA gene. It does not directly change the encoded amino acid sequence of the SDHA protein. It affects a nucleotide within the consensus splice site. This variant is not present in population databases (gnomAD no frequency). This variant has not been reported in the literature in individuals affected with SDHA-related conditions. ClinVar contains an entry for this variant (Variation ID: 1775058). Variants that disrupt the consensus splice site are a relatively common cause of aberrant splicing (PMID: 17576681, 9536098). Algorithms developed to predict the effect of sequence changes on RNA splicing suggest that this variant is not likely to affect RNA splicing. In summary, the available evidence is currently insufficient to determine the role of this variant in disease. Therefore, it has been classified as a Variant of Uncertain Significance.

Ambry Genetics
Classification: Uncertain significance for Hereditary cancer-predisposing syndrome. Last evaluated: 2022-08-10. Review status: criteria provided, single submitter. Criteria: Ambry Variant Classification Scheme 2023. Collection method: clinical testing. Allele origin: germline.
Comment: The c.1551+5G>A intronic variant results from a G to A substitution 5 nucleotides after coding exon 11 in the SDHA gene. This nucleotide position is well conserved in available vertebrate species. In silico splice site analysis predicts that this alteration will not have any significant effect on splicing. Since supporting evidence is limited at this time, the clinical significance of this alteration remains unclear.

Literature cited by the submitters: PubMed 17576681 (cited by Labcorp Genetics (formerly Invitae), Labcorp); PubMed 9536098 (cited by Labcorp Genetics (formerly Invitae), Labcorp).

NM_004168.4(SDHA):c.1551+5G>A

Gene: SDHA (succinate dehydrogenase complex flavoprotein subunit A; plus strand). Cytogenetic location: 5p15.33.
Variant type: single nucleotide variant.
Coding change: c.1551+5G>A on transcript NM_004168.4 (MANE Select); 5 bases into the intron after coding-DNA position 1551, G replaced by A.
Molecular consequence: intron variant.
Genome position (GRCh38, 1-based): chr5:240,481, G>A. VCF-style: chr5-240481-G-A. GRCh37 (hg19) VCF-style: chr5-240596-G-A.
Other names: c.1551+5G>A (NM_001330758.2); c.1407+5G>A (NM_001294332.2).
Identifiers: ClinVar variation 1775058 (VCV001775058.3), dbSNP rs2126603143, ClinGen allele CA2580073769.